The following is an entry in ClinVar:

ClinVar aggregate classification (germline): Uncertain significance (1 of 4 stars; one submission).

Conditions:
Hereditary cancer-predisposing syndrome. Also called: Tumor predisposition; Neoplastic Syndromes, Hereditary; Hereditary neoplastic syndrome; Hereditary Cancer Syndrome. Identifiers: Orphanet 140162, MedGen C0027672, MeSH D009386, MONDO:0015356.

Submission:

Color Diagnostics, LLC DBA Color Health
Classification: Uncertain significance for Hereditary cancer-predisposing syndrome. Last evaluated: 2023-12-05. Review status: criteria provided, single submitter. Criteria: ACMG Guidelines, 2015. Collection method: clinical testing. Allele origin: germline.
Comment: This missense variant replaces phenylalanine with tyrosine at codon 523 of the ATM protein. Computational prediction suggests that this variant may not impact protein structure and function (internally defined REVEL score threshold <= 0.5, PMID: 27666373). To our knowledge, functional studies have not been reported for this variant. This variant has not been reported in individuals affected with ATM-related disorders in the literature. This variant has not been identified in the general population by the Genome Aggregation Database (gnomAD). The available evidence is insufficient to determine the role of this variant in disease conclusively. Therefore, this variant is classified as a Variant of Uncertain Significance.

NM_000051.4(ATM):c.1568T>A (p.Phe523Tyr)

Gene: ATM (ATM serine/threonine kinase; plus strand). Cytogenetic location: 11q22.3.
Variant type: single nucleotide variant.
Coding change: c.1568T>A on transcript NM_000051.4 (MANE Select); coding-DNA position 1568, T replaced by A.
Protein change: p.Phe523Tyr; replaces phenylalanine 523 with tyrosine.
Molecular consequence: missense variant.
Genome position (GRCh38, 1-based): chr11:108,251,033, T>A. VCF-style: chr11-108251033-T-A. GRCh37 (hg19) VCF-style: chr11-108121760-T-A.
Other names: c.1568T>A, p.Phe523Tyr (NM_001351834.2); short protein forms F523Y.
Identifiers: ClinVar variation 630809 (VCV000630809.5), dbSNP rs768038315, ClinGen allele CA382534374.